The following is an entry in ClinVar:

NM_001110556.2(FLNA):c.4071_4074dup (p.Arg1359fs)

Gene: FLNA (filamin A; minus strand). Cytogenetic location: Xq28.
Variant type: Duplication.
Coding change: c.4071_4074dup on transcript NM_001110556.2 (MANE Select); coding-DNA positions 4071 to 4074, 4 bases duplicated (GGTG; older notation c.4071_4074dupGGTG).
Protein change: p.Arg1359fs; shifts the reading frame from arginine 1359.
Molecular consequence: frameshift variant.
Genome position (GRCh38, 1-based): chrX:154,359,552-154,359,555, CACC duplicated on the plus strand (GGTG on the coding strand, the reverse complement: FLNA is on the minus strand); duplicating any 4 consecutive bases within chrX:154,359,552-154,359,556 gives the same sequence; the c. name uses the placement nearest the transcript's 3' end. VCF-style (leftmost placement, unchanged base first): chrX-154359551-G-GCACC. GRCh37 (hg19) VCF-style: chrX-153587919-G-GCACC.
Other names: c.4071_4074dup, p.Arg1359fs (NM_001456.4); c.4071_4074dupGGTG (NM_001456.3); short protein forms R1359fs.
Identifiers: ClinVar variation 213495 (VCV000213495.2), dbSNP rs863223633, ClinGen allele CA320794.
Genomic context (GRCh38, chrX:154,359,551, plus strand): 5'-CCACAGTGAACTTGTTGGGCTTGTTGGTGGTGCCACTTTGGATGCCTGGCCCGTGGACAC[G>GCACC]CACCCGGGAGGGGTCGCAGCCCTCGGTCACGGGCACCTGGAAGGGGCTGCTGGGCACGGG-3'

ClinVar aggregate classification (germline): Pathogenic (1 of 4 stars; one submission).

Submission:

GeneDx
Classification: Pathogenic. Last evaluated: 2014-06-25. Review status: criteria provided, single submitter. Criteria: GeneDx Variant Classification (06012015). Collection method: clinical testing. Allele origin: germline. Affected: yes.
Comment: The c.4071_4074dupGGTG variant in the FLNA gene causes a frameshift starting with codon Arginine 1359, changes this amino acid to aGlycine residue and creates a premature Stop codon at position 48 of the new reading frame, denoted p.Arg1359GlyfsX48. This variant is predicted to cause loss of normal protein function either through protein truncation or nonsense-mediated mRNA decay. Although this variant has not been previously reported to our knowledge, other frameshift variants have been reported in association with FLNA-related disorders, and therefore, its presence is consistent with the diagnosis of a FLNA-related disorder.